The following is an entry in ClinVar:

NM_017553.3(INO80):c.57C>T (p.Pro19=)

Gene: INO80 (INO80 complex ATPase subunit; minus strand). Cytogenetic location: 15q15.1.
Variant type: single nucleotide variant.
Coding change: c.57C>T on transcript NM_017553.3 (MANE Select); coding-DNA position 57, C replaced by T.
Protein change: p.Pro19=; no amino-acid change (proline 19 retained).
Molecular consequence: synonymous variant. On other transcripts: non-coding transcript variant (1).
Genome position (GRCh38, 1-based): chr15:41,096,254, G>A on the plus strand (C>T on the coding strand, the complement: INO80 is on the minus strand). VCF-style: chr15-41096254-G-A. GRCh37 (hg19) VCF-style: chr15-41388452-G-A.
Other names: c.57C>T (NM_017553.2).
Identifiers: ClinVar variation 1284900 (VCV001284900.28), dbSNP rs144276063, ClinGen allele CA7489671.

ClinVar aggregate classification (germline): Likely benign. Review status: criteria provided, multiple submitters, no conflicts (2 of 4 stars). 5 submissions from 5 submitters: Likely benign (2). 3 of the submissions do not count toward it. Last evaluated 2025-11-01.

Conditions:
INO80-related disorder. Also called: INO80-related condition.

Allele frequency attached by ClinVar (database versions not stated): TOPMed 0.00260; ExAC 0.00294; 1000 Genomes Project 0.00080; 1000 Genomes Project 30x 0.00094; gnomAD 0.00221 and 0.00225; ESP Exome Variant Server 0.00308; gnomAD exomes 0.00309.
gnomAD v4.1: 3,878 of 1,606,270 alleles (0.24%); highest among the groups gnomAD compares: Middle Eastern, 1.3%; 15 homozygotes.

Submissions (5):

CeGaT Center for Human Genetics Tuebingen
Classification: Likely benign. Last evaluated: 2025-11-01. Review status: criteria provided, single submitter. Criteria: CeGaT Center For Human Genetics Tuebingen Variant Classification Criteria Version 2. Collection method: clinical testing. Allele origin: germline. Affected: yes. Observed: 3 variant alleles.
Comment: INO80: BP4, BS2

Breakthrough Genomics
Classification: Likely benign. Review status: criteria provided, single submitter. Criteria: ACMG Guidelines, 2015. Collection method: not provided. Allele origin: germline. Inheritance: Unknown mechanism. Affected: yes.

PreventionGenetics, part of Exact Sciences
Classification: Likely benign for INO80-related condition. Last evaluated: 2023-11-22. Review status: no assertion criteria provided. Collection method: clinical testing. Allele origin: germline. Not counted in ClinVar's aggregate classification.
Comment: This variant is classified as likely benign based on ACMG/AMP sequence variant interpretation guidelines (Richards et al. 2015 PMID: 25741868, with internal and published modifications).

Clinical Genetics DNA and cytogenetics Diagnostics Lab, Erasmus MC, Erasmus Medical Center
Classification: Likely benign. Review status: no assertion criteria provided. Collection method: clinical testing. Allele origin: germline. Affected: yes. Study: VKGL Data-share Consensus. Not counted in ClinVar's aggregate classification.

Genome Diagnostics Laboratory, University Medical Center Utrecht
Classification: Likely benign. Review status: no assertion criteria provided. Collection method: clinical testing. Allele origin: germline. Affected: yes. Study: VKGL Data-share Consensus. Not counted in ClinVar's aggregate classification.